The following is an entry in ClinVar:

ClinVar aggregate classification (germline): Uncertain significance (1 of 4 stars; one submission).

Conditions:
CTCF-related neurodevelopmental disorder. Also called: Intellectual disability-feeding difficulties-developmental delay-microcephaly syndrome; INTELLECTUAL DEVELOPMENTAL DISORDER, AUTOSOMAL DOMINANT 21. Identifiers: Orphanet 363611, MedGen C3809686, MONDO:0014213, OMIM 615502.

Submission:

3billion
Classification: Uncertain significance for CTCF-related neurodevelopmental disorder. Last evaluated: 2024-11-20. Review status: criteria provided, single submitter. Criteria: ACMG Guidelines, 2015. Collection method: clinical testing. Allele origin: germline. Affected: yes.
Comment: The variant is not observed in the gnomAD v4.1.0 dataset. Predicted Consequence/Location: Intron variant In silico tools predict the variant to alter splicing and produce an abnormal transcript [SpliceAI: 0.47 (>=0.2, moderate evidence for spliceogenicity)]. Therefore, this variant is classified as VUS according to the recommendation of ACMG/AMP guideline.

NM_006565.4(CTCF):c.1357+4A>C

Gene: CTCF (CCCTC-binding factor; plus strand). Cytogenetic location: 16q22.1.
Variant type: single nucleotide variant.
Coding change: c.1357+4A>C on transcript NM_006565.4 (MANE Select); 4 bases into the intron after coding-DNA position 1357, A replaced by C.
Molecular consequence: intron variant.
Genome position (GRCh38, 1-based): chr16:67,621,595, A>C. VCF-style: chr16-67621595-A-C. GRCh37 (hg19) VCF-style: chr16-67655498-A-C.
Other names: c.1357+4A>C (NM_001438969.1, NM_001438968.1, NM_001363916.2); c.373+4A>C (NM_001191022.2).
Identifiers: ClinVar variation 4291773 (VCV004291773.1).